The following is an entry in ClinVar:

NM_001042492.3(NF1):c.8494C>A (p.Arg2832Ser)

Gene: NF1 (neurofibromin 1; plus strand). Cytogenetic location: 17q11.2.
Variant type: single nucleotide variant.
Coding change: c.8494C>A on transcript NM_001042492.3 (MANE Select); coding-DNA position 8494, C replaced by A.
Protein change: p.Arg2832Ser; replaces arginine 2832 with serine.
Molecular consequence: missense variant.
Genome position (GRCh38, 1-based): chr17:31,374,129, C>A. VCF-style: chr17-31374129-C-A. GRCh37 (hg19) VCF-style: chr17-29701147-C-A.
Other names: c.8431C>A, p.Arg2811Ser (NM_000267.4); short protein forms R2811S, R2832S.
Identifiers: ClinVar variation 1716573 (VCV001716573.5), dbSNP rs587782893, ClinGen allele CA399206098.

ClinVar aggregate classification (germline): Uncertain significance (1 of 4 stars; one submission).

Conditions:
Neurofibromatosis, type 1 (NF1). Also called: Peripheral type neurofibromatosis; VON RECKLINGHAUSEN DISEASE; NEUROFIBROMATOSIS, TYPE I, SOMATIC; Neurofibromatosis, type I. Identifiers: Orphanet 636, MedGen C0027831, MONDO:0018975, OMIM 162200. Disease mechanism: loss of function.

gnomAD v4.1: 1 of 1,614,082 alleles (0.000062%); highest among the groups gnomAD compares: Non-Finnish European, 0.000085%; no homozygotes.

Submission:

Labcorp Genetics (formerly Invitae), Labcorp
Classification: Uncertain significance for Neurofibromatosis, type 1. Last evaluated: 2022-08-16. Review status: criteria provided, single submitter. Criteria: Invitae Variant Classification Sherloc (09022015). Collection method: clinical testing. Allele origin: germline.
Comment: This variant is not present in population databases (gnomAD no frequency). This variant has not been reported in the literature in individuals affected with NF1-related conditions. This sequence change replaces arginine, which is basic and polar, with serine, which is neutral and polar, at codon 2811 of the NF1 protein (p.Arg2811Ser). In summary, the available evidence is currently insufficient to determine the role of this variant in disease. Therefore, it has been classified as a Variant of Uncertain Significance. Algorithms developed to predict the effect of missense changes on protein structure and function are either unavailable or do not agree on the potential impact of this missense change (SIFT: "Deleterious"; PolyPhen-2: "Probably Damaging"; Align-GVGD: "Class C0").